The following is an entry in ClinVar:

ClinVar aggregate classification (germline): Uncertain significance (1 of 4 stars; one submission).

gnomAD v4.1: 2 of 1,607,024 alleles (0.00012%); highest among the groups gnomAD compares: Non-Finnish European, 0.00017%; no homozygotes.

Submission:

Labcorp Genetics (formerly Invitae), Labcorp
Classification: Uncertain significance. Last evaluated: 2024-09-19. Review status: criteria provided, single submitter. Criteria: Invitae Variant Classification Sherloc (09022015). Collection method: clinical testing. Allele origin: germline.
Comment: This sequence change replaces alanine, which is neutral and non-polar, with glutamic acid, which is acidic and polar, at codon 430 of the MYO18B protein (p.Ala430Glu). This variant is not present in population databases (gnomAD no frequency). This variant has not been reported in the literature in individuals affected with MYO18B-related conditions. An algorithm developed to predict the effect of missense changes on protein structure and function outputs the following: PolyPhen-2: "Benign". The glutamic acid amino acid residue is found in multiple mammalian species, which suggests that this missense change does not adversely affect protein function. In summary, the available evidence is currently insufficient to determine the role of this variant in disease. Therefore, it has been classified as a Variant of Uncertain Significance.

NM_032608.7(MYO18B):c.1289C>A (p.Ala430Glu)

Gene: MYO18B (myosin XVIIIB; plus strand). Cytogenetic location: 22q12.1.
Variant type: single nucleotide variant.
Coding change: c.1289C>A on transcript NM_032608.7 (MANE Select); coding-DNA position 1289, C replaced by A.
Protein change: p.Ala430Glu; replaces alanine 430 with glutamic acid.
Molecular consequence: missense variant.
Genome position (GRCh38, 1-based): chr22:25,769,205, C>A. VCF-style: chr22-25769205-C-A. GRCh37 (hg19) VCF-style: chr22-26165172-C-A.
Other names: c.1289C>A, p.Ala430Glu (NM_001318245.2); short protein forms A430E.
Identifiers: ClinVar variation 3664260 (VCV003664260.2).